The following is an entry in ClinVar:

NM_001353812.2(ATP11C):c.1520+6G>A

Gene: ATP11C (ATPase phospholipid transporting 11C (ATP11C blood group); minus strand). Cytogenetic location: Xq27.1.
Variant type: single nucleotide variant.
Coding change: c.1520+6G>A on transcript NM_001353812.2 (MANE Select); 6 bases into the intron after coding-DNA position 1520, G replaced by A.
Molecular consequence: intron variant.
Genome position (GRCh38, 1-based): chrX:139,788,186, C>T on the plus strand (G>A on the coding strand, the complement: ATP11C is on the minus strand). VCF-style: chrX-139788186-C-T. GRCh37 (hg19) VCF-style: chrX-138870345-C-T.
Other names: c.1520+6G>A (NM_001353810.2, NM_001353811.2); c.1529+6G>A (NM_001010986.3, NM_173694.5).
Identifiers: ClinVar variation 2585525 (VCV002585525.1), dbSNP rs769973258, ClinGen allele CA10530991.

ClinVar aggregate classification (germline): Uncertain significance (1 of 4 stars; one submission).

Conditions:
X-linked congenital hemolytic anemia (HACXL). Identifiers: MedGen C4746970, MONDO:0060455, OMIM 301015.

Allele frequency attached by ClinVar (database versions not stated): gnomAD exomes below 0.00001; ExAC 0.00001.
gnomAD v4.1: 5 of 1,193,260 alleles (0.00042%); highest among the groups gnomAD compares: South Asian, 0.0018%; no homozygotes.

Submission:

Neuberg Centre For Genomic Medicine, NCGM
Classification: Uncertain significance for X-linked congenital hemolytic anemia. Review status: criteria provided, single submitter. Criteria: ACMG Guidelines, 2015. Collection method: clinical testing. Allele origin: germline. Inheritance: X-linked inheritance. Affected: yes.
Comment: The splice site variant c.1520+6G>A in ATP11C gene has not been reported previously as a pathogenic variant nor as a benign variant, to our knowledge. The c.1520+6G>A variant is novel (not in any individuals) in 1000 Genomes and allele frequency of 0.00058% is reported in gnomAD. This variant is does not affect an invariant splice nucleotide and hence functional studies will be required for further significance. In silico splice tools are contradictory in their predictions. For these reasons, this variant has been classified as Uncertain Significance .